The following is an entry in ClinVar:

NM_001384140.1(PCDH15):c.1913_1917+8del

Gene: PCDH15 (protocadherin related 15; minus strand). Cytogenetic location: 10q21.1.
Variant type: Deletion.
Coding change: c.1913_1917+8del on transcript NM_001384140.1 (MANE Select); coding-DNA position 1913 through 8 bases into the intron after coding-DNA position 1917, 13 bases deleted (TACAGGTATGTTC).
Molecular consequence: splice donor variant. On other transcripts: intron variant (1).
Genome position (GRCh38, 1-based): chr10:54,132,867-54,132,879, GAACATACCTGTA deleted on the plus strand (TACAGGTATGTTC on the coding strand, the reverse complement: PCDH15 is on the minus strand); deleting any 13 consecutive bases within chr10:54,132,867-54,132,881 gives the same sequence; the c. name uses the placement nearest the transcript's 3' end. VCF-style (leftmost placement, unchanged base first): chr10-54132866-GGAACATACCTGTA-G. GRCh37 (hg19) VCF-style: chr10-55892626-GGAACATACCTGTA-G.
Other names: c.1913_1917+8del (NM_001354420.2, NM_001354429.2, NM_001142772.2 and 5 more transcripts); c.1928_1932+8del (NM_001142771.2, NM_001142763.2); c.1934_1938+8del (NM_001354411.2); c.1949_1953+8del (NM_001142769.3); c.1847_1851+8del (NM_001354404.2, NM_001142773.2, NM_001142768.2); c.1802_1806+8del (NM_001142767.2); c.1784+20221_1784+20233del (NM_001142765.2).
Identifiers: ClinVar variation 1467205 (VCV001467205.6), dbSNP rs2133059770, ClinGen allele CA2573145136.

ClinVar aggregate classification (germline): Likely pathogenic (1 of 4 stars; one submission).

Submission:

Labcorp Genetics (formerly Invitae), Labcorp
Classification: Likely pathogenic. Last evaluated: 2021-08-26. Review status: criteria provided, single submitter. Criteria: Invitae Variant Classification Sherloc (09022015). Collection method: clinical testing. Allele origin: germline.
Comment: In summary, the currently available evidence indicates that the variant is pathogenic, but additional data are needed to prove that conclusively. Therefore, this variant has been classified as Likely Pathogenic. Algorithms developed to predict the effect of sequence changes on RNA splicing suggest that this variant may disrupt the consensus splice site. This variant has not been reported in the literature in individuals affected with PCDH15-related conditions. This variant is not present in population databases (ExAC no frequency). This variant results in the deletion of part of exon 15 (c.1913_1917+8del) of the PCDH15 gene. It is expected to disrupt RNA splicing. Variants that disrupt the donor or acceptor splice site typically lead to a loss of protein function (PMID: 16199547), and loss-of-function variants in PCDH15 are known to be pathogenic (PMID: 11398101, 11487575, 14570705).

Literature cited by the submitters: PubMed 16199547; PubMed 11398101; PubMed 11487575; PubMed 14570705.